The following is an entry in ClinVar:

NM_198576.4(AGRN):c.2589G>A (p.Thr863=)

Gene: AGRN (agrin; plus strand). Cytogenetic location: 1p36.33.
Variant type: single nucleotide variant.
Coding change: c.2589G>A on transcript NM_198576.4 (MANE Select); coding-DNA position 2589, G replaced by A.
Protein change: p.Thr863=; no amino-acid change (threonine 863 retained).
Molecular consequence: synonymous variant.
Genome position (GRCh38, 1-based): chr1:1,045,785, G>A. VCF-style: chr1-1045785-G-A. GRCh37 (hg19) VCF-style: chr1-981165-G-A.
Other names: c.2589G>A, p.Thr863= (NM_001305275.2); c.2274G>A, p.Thr758= (NM_001364727.2).
Identifiers: ClinVar variation 263174 (VCV000263174.25), dbSNP rs776485359, ClinGen allele CA508711.
Genomic context (GRCh38, chr1:1,045,785, plus strand): 5'-CCCCAAAGCCTGCAGCTGTGATCCCCAAGGCGCCGTGCGGGATGACTGTGAGCAGATGAC[G>A]GGGCTGTGCTCGTGTAAGCCCGGGGTGGCTGGACCCAAGTGTGGGCAGTGTCCAGACGGC-3'
Protein context (NP_940978.2, residues 853-873): GAVRDDCEQM[Thr863=]GLCSCKPGVA

ClinVar aggregate classification (germline): Likely benign. Review status: criteria provided, multiple submitters, no conflicts (2 of 4 stars). 4 submissions from 4 submitters: Likely benign (4). Last evaluated 2025-07-16.

Conditions:
Inborn genetic diseases. Identifiers: MedGen C0950123, MeSH D030342.
Congenital myasthenic syndrome 8. Also called: MYASTHENIC SYNDROME, CONGENITAL, DUE TO AGRIN DEFICIENCY; Myasthenic syndrome, congenital, 8, with pre- and postsynaptic defects. Identifiers: Orphanet 590, MedGen C3808739, MONDO:0014052, OMIM 615120.

Allele frequency attached by ClinVar (database versions not stated): gnomAD 0.00001; ExAC 0.00002; TOPMed 0.00003.
gnomAD v4.1: 47 of 1,613,216 alleles (0.0029%); highest among the groups gnomAD compares: Non-Finnish European, 0.0036%; no homozygotes.

Submissions (4):

Ambry Genetics
Classification: Likely benign for Inborn genetic diseases. Last evaluated: 2025-07-16. Review status: criteria provided, single submitter. Criteria: Ambry Variant Classification Scheme 2023. Collection method: clinical testing. Allele origin: germline.

CeGaT Center for Human Genetics Tuebingen
Classification: Likely benign. Last evaluated: 2024-11-01. Review status: criteria provided, single submitter. Criteria: CeGaT Center For Human Genetics Tuebingen Variant Classification Criteria Version 2. Collection method: clinical testing. Allele origin: germline. Affected: yes. Observed: 1 variant allele.
Comment: AGRN: BP4, BP7

Labcorp Genetics (formerly Invitae), Labcorp
Classification: Likely benign for Congenital myasthenic syndrome 8. Last evaluated: 2024-05-24. Review status: criteria provided, single submitter. Criteria: Invitae Variant Classification Sherloc (09022015). Collection method: clinical testing. Allele origin: germline.

PreventionGenetics, part of Exact Sciences
Classification: Likely benign. Review status: criteria provided, single submitter. Criteria: ACMG Guidelines, 2015. Collection method: clinical testing. Allele origin: germline.